The following is an entry in ClinVar:

ClinVar aggregate classification (germline): Uncertain significance (1 of 4 stars; one submission).

Conditions:
Inborn genetic diseases. Identifiers: MedGen C0950123, MeSH D030342.

Submission:

Ambry Genetics
Classification: Uncertain significance for Inborn genetic diseases. Last evaluated: 2023-07-15. Review status: criteria provided, single submitter. Criteria: Ambry Variant Classification Scheme 2023. Collection method: clinical testing. Allele origin: germline.
Comment: The p.F473C variant (also known as c.1418T>G), located in coding exon 15 of the ERCC2 gene, results from a T to G substitution at nucleotide position 1418. The phenylalanine at codon 473 is replaced by cysteine, an amino acid with highly dissimilar properties. This amino acid position is conserved. In addition, this alteration is predicted to be deleterious by in silico analysis. Since supporting evidence is limited at this time, the clinical significance of this alteration remains unclear.

NM_000400.4(ERCC2):c.1418T>G (p.Phe473Cys)

Gene: ERCC2 (ERCC excision repair 2, TFIIH core complex helicase subunit; minus strand). Cytogenetic location: 19q13.32.
Variant type: single nucleotide variant.
Coding change: c.1418T>G on transcript NM_000400.4 (MANE Select); coding-DNA position 1418, T replaced by G.
Protein change: p.Phe473Cys; replaces phenylalanine 473 with cysteine.
Molecular consequence: missense variant.
Genome position (GRCh38, 1-based): chr19:45,357,331, A>C on the plus strand (T>G on the coding strand, the complement: ERCC2 is on the minus strand). VCF-style: chr19-45357331-A-C. GRCh37 (hg19) VCF-style: chr19-45860589-A-C.
Other names: short protein forms F473C.
Identifiers: ClinVar variation 1772182 (VCV001772182.3), dbSNP rs1399969451, ClinGen allele CA406367148.